The following is an entry in ClinVar:

ClinVar aggregate classification (germline): Conflicting classifications of pathogenicity. Review status: criteria provided, conflicting classifications (1 of 4 stars). 6 submissions from 6 submitters: Uncertain significance (4); Likely benign (2). Last evaluated 2025-08-29.

Conditions:
FG syndrome (FGS). Identifiers: MedGen C0220769, MONDO:0002010.
FG syndrome 1 (OKS). Also called: FG Syndrome Type 1 (FGS1); OPITZ-KAVEGGIA SYNDROME; KELLER SYNDROME; MENTAL RETARDATION, LARGE HEAD, IMPERFORATE ANUS, CONGENITAL HYPOTONIA, AND PARTIAL AGENESIS OF CORPUS CALLOSUM. Identifiers: Orphanet 93932, MedGen C5399762, MONDO:0010590, OMIM 305450.
X-linked intellectual disability with marfanoid habitus. Also called: Lujan Syndrome (LS); X-linked mental retardation with marfanoid habitus syndrome; Lujan Syndrome; INTELLECTUAL DEVELOPMENTAL DISORDER, X-LINKED, SYNDROMIC, LUJAN-FRYNS TYPE. Identifiers: Orphanet 776, MedGen C0796022, MONDO:0010655, OMIM 309520.
Blepharophimosis - intellectual disability syndrome, MKB type. Also called: X-Linked Ohdo Syndrome (XLOS); BLEPHAROPHIMOSIS-MENTAL RETARDATION SYNDROME, MAAT-KIEVIT-BRUNNER TYPE; Ohdo syndrome, X-linked. Identifiers: Orphanet 293707, MedGen C3698541, MONDO:0010477, OMIM 300895.
Familial thoracic aortic aneurysm and aortic dissection (TAAD). Also called: Thoracic aortic aneurysms and dissections. Identifiers: Orphanet 91387, MedGen C4707243, MONDO:0019625.

Allele frequency attached by ClinVar (database versions not stated): TOPMed 0.00001; gnomAD 0.00002 and 0.00003; gnomAD exomes 0.00002; ExAC 0.00004; ESP Exome Variant Server 0.00010.

Submissions (6):

Labcorp Genetics (formerly Invitae), Labcorp
Classification: Likely benign for FG syndrome. Last evaluated: 2025-08-29. Review status: criteria provided, single submitter. Criteria: Invitae Variant Classification Sherloc (09022015). Collection method: clinical testing. Allele origin: germline.

Ambry Genetics
Classification: Likely benign for Familial thoracic aortic aneurysm and aortic dissection. Last evaluated: 2021-07-13. Review status: criteria provided, single submitter. Criteria: Ambry Variant Classification Scheme 2023. Collection method: clinical testing. Allele origin: germline.

Revvity Omics, Revvity
Classification: Uncertain significance. Last evaluated: 2021-05-27. Review status: criteria provided, single submitter. Criteria: ACMG Guidelines, 2015. Collection method: clinical testing. Allele origin: germline.

GeneDx
Classification: Uncertain significance. Last evaluated: 2020-10-06. Review status: criteria provided, single submitter. Criteria: GeneDx Variant Classification Process June 2021. Collection method: clinical testing. Allele origin: germline. Affected: yes.
Comment: Has not been previously published as pathogenic or benign to our knowledge; In silico analysis supports that this missense variant has a deleterious effect on protein structure/function; Reported in ClinVar as a variant of uncertain significance (ClinVar Variant ID# 213632; Landrum et al., 2016)

Fulgent Genetics
Classification: Uncertain significance for Blepharophimosis - intellectual disability syndrome, MKB type; FG syndrome 1; X-linked intellectual disability with marfanoid habitus. Last evaluated: 2018-10-31. Review status: criteria provided, single submitter. Criteria: ACMG Guidelines, 2015. Collection method: clinical testing. Allele origin: unknown.

Eurofins Ntd Llc (ga)
Classification: Uncertain significance. Last evaluated: 2018-09-06. Review status: criteria provided, single submitter. Criteria: EGL ClinVar v180209 classification definitions. Collection method: clinical testing. Allele origin: germline. Observed: 1 variant allele, 1 hemizygote.

NM_005120.3(MED12):c.1264C>T (p.Arg422Trp)

Gene: MED12 (mediator complex subunit 12; plus strand). Cytogenetic location: Xq13.1.
Variant type: single nucleotide variant.
Coding change: c.1264C>T on transcript NM_005120.3 (MANE Select); coding-DNA position 1264, C replaced by T.
Protein change: p.Arg422Trp; replaces arginine 422 with tryptophan.
Molecular consequence: missense variant.
Genome position (GRCh38, 1-based): chrX:71,122,523, C>T. VCF-style: chrX-71122523-C-T. GRCh37 (hg19) VCF-style: chrX-70342373-C-T.
Other names: short protein forms R422W.
Identifiers: ClinVar variation 213632 (VCV000213632.23), dbSNP rs368913305, ClinGen allele CA324409.
Genomic context (GRCh38, chrX:71,122,523, plus strand): 5'-ATATGCCTTGGTACATCCTTGTAGCCTTCCTTTTTAACATTGCAGGTCCGTGCAAAGTTG[C>T]GGGAGATCGAGCAGCAGATCAAGGAGCGGGGACAGGCAGTTGAAGTTCGCTGGTCTTTCG-3'
Protein context (NP_005111.2, residues 412-432): AFTQQVRAKL[Arg422Trp]EIEQQIKERG